The following is an entry in ClinVar:

NM_000264.5(PTCH1):c.3605C>G (p.Pro1202Arg)

Gene: PTCH1 (patched 1; minus strand). Cytogenetic location: 9q22.32.
Variant type: single nucleotide variant.
Coding change: c.3605C>G on transcript NM_000264.5 (MANE Select); coding-DNA position 3605, C replaced by G.
Protein change: p.Pro1202Arg; replaces proline 1202 with arginine.
Molecular consequence: missense variant. On other transcripts: non-coding transcript variant (1).
Genome position (GRCh38, 1-based): chr9:95,449,268, G>C on the plus strand (C>G on the coding strand, the complement: PTCH1 is on the minus strand). VCF-style: chr9-95449268-G-C. GRCh37 (hg19) VCF-style: chr9-98211550-G-C.
Other names: c.3407C>G, p.Pro1136Arg (NM_001083602.3); c.3602C>G, p.Pro1201Arg (NM_001083603.3); c.3152C>G, p.Pro1051Arg (NM_001083604.3, NM_001083605.3, NM_001083606.3 and 1 more transcripts); c.3449C>G, p.Pro1150Arg (NM_001354918.2); c.3605C>G (NM_000264.4); short protein forms P1136R, P1202R, P1051R, P1150R, P1201R.
Identifiers: ClinVar variation 409196 (VCV000409196.15), dbSNP rs374097441, ClinGen allele CA16612821.

ClinVar aggregate classification (germline): Conflicting classifications of pathogenicity. Review status: criteria provided, conflicting classifications (1 of 4 stars). 4 submissions from 4 submitters: Uncertain significance (2); Likely benign (2). Last evaluated 2025-09-22.

Conditions:
Basal cell nevus syndrome 1 (BCNS1). Also called: GORLIN-GOLTZ SYNDROME; MULTIPLE BASAL CELL NEVI, ODONTOGENIC KERATOCYSTS, AND SKELETAL ANOMALIES. Identifiers: MedGen CN376810, MONDO:0958174, OMIM 109400.
Gorlin syndrome. Also called: Nevoid Basal Cell Carcinoma Syndrome; Basal cell nevus syndrome. Identifiers: Orphanet 377, MedGen C0004779, MONDO:0007187.
Hereditary cancer-predisposing syndrome. Also called: Hereditary neoplastic syndrome; Neoplastic Syndromes, Hereditary; Tumor predisposition; Hereditary Cancer Syndrome. Identifiers: Orphanet 140162, MedGen C0027672, MeSH D009386, MONDO:0015356.

Allele frequency attached by ClinVar (database versions not stated): gnomAD exomes 0.00001; TOPMed 0.00001.
gnomAD v4.1: 19 of 1,564,534 alleles (0.0012%); highest among the groups gnomAD compares: African/African-American, 0.0027%; no homozygotes.

Submissions (4):

Labcorp Genetics (formerly Invitae), Labcorp
Classification: Likely benign for Gorlin syndrome. Last evaluated: 2025-09-22. Review status: criteria provided, single submitter. Criteria: Invitae Variant Classification Sherloc (09022015). Collection method: clinical testing. Allele origin: germline.

Quest Diagnostics Nichols Institute San Juan Capistrano
Classification: Uncertain significance. Last evaluated: 2024-07-17. Review status: criteria provided, single submitter. Criteria: Quest Diagnostics criteria. Collection method: clinical testing. Allele origin: unknown.
Comment: The PTCH1 c.3605C>G (p.Pro1202Arg) variant has not been reported in individuals with PTCH1-related conditions in the published literature. The frequency of this variant in the general population, 0.0000059 (1/170322 chromosomes (Genome Aggregation Database)), is uninformative in the assessment of its pathogenicity. Analysis of this variant using bioinformatics tools for the prediction of the effect of amino acid changes on protein structure and function yielded predictions that this variant is damaging. Based on the available information, we are unable to determine the clinical significance of this variant.

Ambry Genetics
Classification: Likely benign for Hereditary cancer-predisposing syndrome. Last evaluated: 2023-12-10. Review status: criteria provided, single submitter. Criteria: Ambry Variant Classification Scheme 2023. Collection method: clinical testing. Allele origin: germline.

Institute for Genomic Medicine (IGM) Clinical Laboratory, Nationwide Children's Hospital
Classification: Uncertain significance for Basal cell nevus syndrome 1. Last evaluated: 2022-08-05. Review status: criteria provided, single submitter. Criteria: ACMG Guidelines, 2015. Collection method: clinical testing. Allele origin: germline.
Comment: This variant is absent from or present at an exceedingly low frequency in gnomAD, a large-scale control population database (ACMG/AMP: PM2). This variant is predicted to alter protein function or structure, or disrupt splicing by multiple in silico tools (ACMG/AMP: PP3). This variant results in a missense alteration in a gene for which primarily truncating variants are known to cause disease (ACMG/AMP: BP1).